The following is an entry in ClinVar:

ClinVar aggregate classification (germline): Likely benign (1 of 4 stars; one submission).

Allele frequency attached by ClinVar (database versions not stated): TOPMed 0.00028; 1000 Genomes Project 30x 0.00031; 1000 Genomes Project 0.00040; gnomAD 0.00058; gnomAD exomes 0.00126; ExAC 0.00220.
gnomAD v4.1: 470 of 456,948 alleles (0.1%); highest among the groups gnomAD compares: South Asian, 0.22%; 1 homozygote.

Submission:

CeGaT Center for Human Genetics Tuebingen
Classification: Likely benign. Last evaluated: 2026-09-01. Review status: criteria provided, single submitter. Criteria: CeGaT Center For Human Genetics Tuebingen Variant Classification Criteria Version 2. Collection method: clinical testing. Allele origin: germline. Affected: yes. Observed: 9 variant alleles.
Comment: ANO1: BP4, BP7

NM_018043.7(ANO1):c.800-553C>T

Gene: ANO1 (anoctamin 1; plus strand). Cytogenetic location: 11q13.3.
Variant type: single nucleotide variant.
Coding change: c.800-553C>T on transcript NM_018043.7 (MANE Select); 553 bases into the intron before coding-DNA position 800, C replaced by T.
Molecular consequence: intron variant. On other transcripts: synonymous variant (2).
Genome position (GRCh38, 1-based): chr11:70,111,154, C>T. VCF-style: chr11-70111154-C-T. GRCh37 (hg19) VCF-style: chr11-69957260-C-T.
Other names: c.951C>T, p.Ser317= (NM_001378092.1); c.828C>T, p.Ser276= (NM_001378095.2); c.800-553C>T (NM_001378093.1, NM_001378094.2, NM_001378096.2); c.701-553C>T (NM_001378097.2).
Identifiers: ClinVar variation 3250570 (VCV003250570.18), dbSNP rs577991916.